The following is an entry in ClinVar:

NM_001967.4(EIF4A2):c.1156C>T (p.Arg386Cys)

Gene: EIF4A2 (eukaryotic translation initiation factor 4A2; plus strand). Cytogenetic location: 3q27.3.
Variant type: single nucleotide variant.
Coding change: c.1156C>T on transcript NM_001967.4 (MANE Select); coding-DNA position 1156, C replaced by T.
Protein change: p.Arg386Cys; replaces arginine 386 with cysteine.
Molecular consequence: missense variant.
Genome position (GRCh38, 1-based): chr3:186,789,201, C>T. VCF-style: chr3-186789201-C-T. GRCh37 (hg19) VCF-style: chr3-186506990-C-T.
Other names: short protein forms R386C.
Identifiers: ClinVar variation 2503255 (VCV002503255.2), dbSNP rs1721981951, ClinGen allele CA355727907.
Genomic context (GRCh38, chr3:186,789,201, plus strand): 5'-CGATTTGGGAGGAAAGGTGTGGCTATAAACTTTGTTACTGAAGAAGACAAGAGGATTCTT[C>T]GTGACATTGAGACTTTCTACAATACTACAGTGGAGGAGATGCCCATGAATGTGGCTGACC-3'
Protein context (NP_001958.2, residues 376-396): FVTEEDKRIL[Arg386Cys]DIETFYNTTV

ClinVar aggregate classification (germline): Uncertain significance (1 of 4 stars; one submission).

Allele frequency attached by ClinVar (database versions not stated): TOPMed below 0.00001; gnomAD exomes below 0.00001.
gnomAD v4.1: 1 of 1,613,582 alleles (0.000062%); highest among the groups gnomAD compares: Non-Finnish European, 0.000085%; no homozygotes.

Submission:

GeneDx
Classification: Uncertain significance. Last evaluated: 2025-04-22. Review status: criteria provided, single submitter. Criteria: GeneDx Variant Classification Process June 2021. Collection method: clinical testing. Allele origin: germline.
Comment: Not observed at significant frequency in large population cohorts (gnomAD); In silico analysis supports that this missense variant has a deleterious effect on protein structure/function; Has not been previously published as pathogenic or benign to our knowledge